The following is an entry in ClinVar:

NM_000052.7(ATP7A):c.674T>A (p.Met225Lys)

Gene: ATP7A (ATPase copper transporting alpha; plus strand). Cytogenetic location: Xq21.1.
Variant type: single nucleotide variant.
Coding change: c.674T>A on transcript NM_000052.7 (MANE Select); coding-DNA position 674, T replaced by A.
Protein change: p.Met225Lys; replaces methionine 225 with lysine.
Molecular consequence: missense variant.
Genome position (GRCh38, 1-based): chrX:77,989,296, T>A. VCF-style: chrX-77989296-T-A. GRCh37 (hg19) VCF-style: chrX-77244792-T-A.
Other names: c.674T>A, p.Met225Lys (NM_001282224.2); short protein forms M225K.
Identifiers: ClinVar variation 2045931 (VCV002045931.4), dbSNP rs2522292707, ClinGen allele CA413600554.

ClinVar aggregate classification (germline): Uncertain significance (1 of 4 stars; one submission).

Conditions:
Menkes kinky-hair syndrome (MNK). Also called: Copper transport disease; Menkes Disease; Classic Menkes Disease. Identifiers: Orphanet 565, MedGen C0022716, MONDO:0010651, OMIM 309400.
X-linked distal spinal muscular atrophy type 3. Also called: ATP7A-Related Distal Motor Neuropathy; SPINAL MUSCULAR ATROPHY, DISTAL, X-LINKED RECESSIVE; NEURONOPATHY, DISTAL HEREDITARY MOTOR, X-LINKED; NEUROPATHY, DISTAL HEREDITARY MOTOR, X-LINKED. Identifiers: Orphanet 139557, MedGen C1845359, MONDO:0010338, OMIM 300489.
Cutis laxa, X-linked (OHS). Also called: EDS IX; Occipital horn syndrome. Identifiers: Orphanet 198, MedGen C0268353, MONDO:0010572, OMIM 304150.

Submission:

Labcorp Genetics (formerly Invitae), Labcorp
Classification: Uncertain significance for X-linked distal spinal muscular atrophy type 3; Cutis laxa, X-linked; Menkes kinky-hair syndrome. Last evaluated: 2023-06-05. Review status: criteria provided, single submitter. Criteria: Invitae Variant Classification Sherloc (09022015). Collection method: clinical testing. Allele origin: germline.
Comment: In summary, the available evidence is currently insufficient to determine the role of this variant in disease. Therefore, it has been classified as a Variant of Uncertain Significance. Advanced modeling of protein sequence and biophysical properties (such as structural, functional, and spatial information, amino acid conservation, physicochemical variation, residue mobility, and thermodynamic stability) performed at Invitae indicates that this missense variant is not expected to disrupt ATP7A protein function. ClinVar contains an entry for this variant (Variation ID: 2045931). This variant has not been reported in the literature in individuals affected with ATP7A-related conditions. This variant is not present in population databases (gnomAD no frequency). This sequence change replaces methionine, which is neutral and non-polar, with lysine, which is basic and polar, at codon 225 of the ATP7A protein (p.Met225Lys).